The following is an entry in ClinVar:

NM_001089.3(ABCA3):c.667A>G (p.Met223Val)

Gene: ABCA3 (ATP binding cassette subfamily A member 3; minus strand). Cytogenetic location: 16p13.3.
Variant type: single nucleotide variant.
Coding change: c.667A>G on transcript NM_001089.3 (MANE Select); coding-DNA position 667, A replaced by G.
Protein change: p.Met223Val; replaces methionine 223 with valine.
Molecular consequence: missense variant.
Genome position (GRCh38, 1-based): chr16:2,319,787, T>C on the plus strand (A>G on the coding strand, the complement: ABCA3 is on the minus strand). VCF-style: chr16-2319787-T-C. GRCh37 (hg19) VCF-style: chr16-2369788-T-C.
Other names: c.667A>G (NM_001089.2); short protein forms M223V.
Identifiers: ClinVar variation 3677311 (VCV003677311.3).

ClinVar aggregate classification (germline): Uncertain significance. Review status: criteria provided, multiple submitters, no conflicts (2 of 4 stars). 2 submissions from 2 submitters: Uncertain significance (2). Last evaluated 2024-11-27.

Conditions:
ABCA3-related disorder. Also called: ABCA3-related condition.

gnomAD v4.1: 8 of 1,613,848 alleles (0.0005%); highest among the groups gnomAD compares: Non-Finnish European, 0.00068%; no homozygotes.

Submissions (2):

PreventionGenetics, part of Exact Sciences
Classification: Uncertain significance for ABCA3-related condition. Last evaluated: 2024-11-27. Review status: criteria provided, single submitter. Criteria: ACMG Guidelines, 2015. Collection method: clinical testing. Allele origin: germline.
Comment: The ABCA3 c.667A>G variant is predicted to result in the amino acid substitution p.Met223Val. To our knowledge, this variant has not been reported in the literature. This variant is reported in 0.0018% of alleles in individuals of European (Non-Finnish) descent in gnomAD. At this time, the clinical significance of this variant is uncertain due to the absence of conclusive functional and genetic evidence.

Labcorp Genetics (formerly Invitae), Labcorp
Classification: Uncertain significance. Last evaluated: 2024-11-02. Review status: criteria provided, single submitter. Criteria: Invitae Variant Classification Sherloc (09022015). Collection method: clinical testing. Allele origin: germline.
Comment: This sequence change replaces methionine, which is neutral and non-polar, with valine, which is neutral and non-polar, at codon 223 of the ABCA3 protein (p.Met223Val). This variant is present in population databases (no rsID available, gnomAD 0.002%). This variant has not been reported in the literature in individuals affected with ABCA3-related conditions. Invitae Evidence Modeling of protein sequence and biophysical properties (such as structural, functional, and spatial information, amino acid conservation, physicochemical variation, residue mobility, and thermodynamic stability) indicates that this missense variant is not expected to disrupt ABCA3 protein function with a negative predictive value of 80%. In summary, the available evidence is currently insufficient to determine the role of this variant in disease. Therefore, it has been classified as a Variant of Uncertain Significance.